The following is an entry in ClinVar:

ClinVar aggregate classification (germline): Uncertain significance (1 of 4 stars; one submission).

gnomAD v4.1: 1 of 1,614,154 alleles (0.000062%); highest among the groups gnomAD compares: Non-Finnish European, 0.000085%; no homozygotes.

Submission:

Labcorp Genetics (formerly Invitae), Labcorp
Classification: Uncertain significance. Last evaluated: 2024-10-07. Review status: criteria provided, single submitter. Criteria: Invitae Variant Classification Sherloc (09022015). Collection method: clinical testing. Allele origin: germline.
Comment: This sequence change falls in intron 12 of the EIF2B5 gene. It does not directly change the encoded amino acid sequence of the EIF2B5 protein. This variant is present in population databases (no rsID available, gnomAD 0.0009%). This variant has not been reported in the literature in individuals affected with EIF2B5-related conditions. Algorithms developed to predict the effect of sequence changes on RNA splicing suggest that this variant may disrupt the consensus splice site. In summary, the available evidence is currently insufficient to determine the role of this variant in disease. Therefore, it has been classified as a Variant of Uncertain Significance.

NM_003907.3(EIF2B5):c.1746-8C>A

Gene: EIF2B5 (eukaryotic translation initiation factor 2B subunit epsilon; plus strand). Cytogenetic location: 3q27.1.
Variant type: single nucleotide variant.
Coding change: c.1746-8C>A on transcript NM_003907.3 (MANE Select); 8 bases into the intron before coding-DNA position 1746, C replaced by A.
Molecular consequence: intron variant.
Genome position (GRCh38, 1-based): chr3:184,143,434, C>A. VCF-style: chr3-184143434-C-A. GRCh37 (hg19) VCF-style: chr3-183861222-C-A.
Identifiers: ClinVar variation 3654808 (VCV003654808.2).